The following is an entry in ClinVar:

NM_005902.4(SMAD3):c.335C>A (p.Ala112Asp)

Gene: SMAD3 (SMAD family member 3; plus strand). Cytogenetic location: 15q22.33.
Variant type: single nucleotide variant.
Coding change: c.335C>A on transcript NM_005902.4 (MANE Select); coding-DNA position 335, C replaced by A.
Protein change: p.Ala112Asp; replaces alanine 112 with aspartic acid.
Molecular consequence: missense variant.
Genome position (GRCh38, 1-based): chr15:67,165,023, C>A. VCF-style: chr15-67165023-C-A. GRCh37 (hg19) VCF-style: chr15-67457361-C-A.
Other names: c.20C>A, p.Ala7Asp (NM_001407015.1, NM_001145102.2, NM_001407016.1); c.188C>A, p.Ala63Asp (NM_001407014.1); c.203C>A, p.Ala68Asp (NM_001145103.2); c.335C>A, p.Ala112Asp (NM_001407011.1, NM_001407012.1, NM_001407013.1); short protein forms A112D, A63D, A68D, A7D.
Identifiers: ClinVar variation 1709245 (VCV001709245.2), dbSNP rs387906854, ClinGen allele CA392954061.

ClinVar aggregate classification (germline): Uncertain significance (1 of 4 stars; one submission).

Conditions:
Aneurysm-osteoarthritis syndrome. Also called: SMAD3-Related Loeys-Dietz Syndrome; ANEURYSMS-OSTEOARTHRITIS SYNDROME; Loeys-Dietz syndrome, type 1C; LOEYS-DIETZ SYNDROME WITH OSTEOARTHRITIS. Identifiers: Orphanet 284984, MedGen C3151087, MONDO:0013426, OMIM 613795.

Submission:

MGZ Medical Genetics Center
Classification: Uncertain significance for Aneurysm-osteoarthritis syndrome. Last evaluated: 2022-05-24. Review status: criteria provided, single submitter. Criteria: ACMG Guidelines, 2015. Collection method: clinical testing. Allele origin: germline. Affected: yes. Observed: 2 variant alleles.
Comment: ACMG criteria applied: PM5, PM2_SUP, PP3